The following is an entry in ClinVar:

NM_003482.4(KMT2D):c.3871C>T (p.Arg1291Trp)

Genes: KMT2D (lysine methyltransferase 2D; minus strand), LOC126861520 (CDK7 strongly-dependent group 2 enhancer GRCh37_chr12:49442744-49443943; plus strand). Cytogenetic location: 12q13.12.
Variant type: single nucleotide variant.
Coding change: c.3871C>T on transcript NM_003482.4 (MANE Select); coding-DNA position 3871, C replaced by T.
Protein change: p.Arg1291Trp; replaces arginine 1291 with tryptophan.
Molecular consequence: missense variant.
Genome position (GRCh38, 1-based): chr12:49,049,717, G>A on the plus strand (C>T on the coding strand, the complement: KMT2D is on the minus strand). VCF-style: chr12-49049717-G-A. GRCh37 (hg19) VCF-style: chr12-49443500-G-A.
Other names: short protein forms R1291W.
Identifiers: ClinVar variation 1498879 (VCV001498879.7), dbSNP rs1376778182, ClinGen allele CA384652641.

ClinVar aggregate classification (germline): Uncertain significance. Review status: criteria provided, multiple submitters, no conflicts (2 of 4 stars). 2 submissions from 2 submitters: Uncertain significance (2). Last evaluated 2025-06-27.

Conditions:
Kabuki syndrome 1 (KABUK1). Also called: KMT2D-Related Kabuki Syndrome. Identifiers: Orphanet 2322, MedGen CN030661, MONDO:0007843, OMIM 147920.
Choanal atresia-athelia-hypothyroidism-delayed puberty-short stature syndrome (BCAHH). Also called: BRANCHIAL ARCH ABNORMALITIES, CHOANAL ATRESIA, ATHELIA, HEARING LOSS, AND HYPOTHYROIDISM SYNDROME. Identifiers: Orphanet 589856, MedGen C5680310, MONDO:0035651, OMIM 620186.
Kabuki syndrome. Also called: NIIKAWA-KUROKI SYNDROME; Kabuki make-up syndrome. Identifiers: Orphanet 2322, MedGen C0796004, MONDO:0016512.

Allele frequency attached by ClinVar (database versions not stated): gnomAD exomes below 0.00001; TOPMed below 0.00001; gnomAD 0.00001.
gnomAD v4.1: 6 of 1,600,728 alleles (0.00037%); highest among the groups gnomAD compares: East Asian, 0.0022%; no homozygotes.

Submissions (2):

Labcorp Genetics (formerly Invitae), Labcorp
Classification: Uncertain significance for Kabuki syndrome. Last evaluated: 2025-06-27. Review status: criteria provided, single submitter. Criteria: Invitae Variant Classification Sherloc (09022015). Collection method: clinical testing. Allele origin: germline.
Comment: This sequence change replaces arginine, which is basic and polar, with tryptophan, which is neutral and slightly polar, at codon 1291 of the KMT2D protein (p.Arg1291Trp). This variant is not present in population databases (gnomAD no frequency). This variant has not been reported in the literature in individuals affected with KMT2D-related conditions. ClinVar contains an entry for this variant (Variation ID: 1498879). Invitae Evidence Modeling of protein sequence and biophysical properties (such as structural, functional, and spatial information, amino acid conservation, physicochemical variation, residue mobility, and thermodynamic stability) has been performed for this missense variant. However, the output from this modeling did not meet the statistical confidence thresholds required to predict the impact of this variant on KMT2D protein function. In summary, the available evidence is currently insufficient to determine the role of this variant in disease. Therefore, it has been classified as a Variant of Uncertain Significance.

Fulgent Genetics
Classification: Uncertain significance for Kabuki syndrome 1; Choanal atresia-athelia-hypothyroidism-delayed puberty-short stature syndrome. Last evaluated: 2024-03-13. Review status: criteria provided, single submitter. Criteria: ACMG Guidelines, 2015. Collection method: clinical testing. Allele origin: germline.